The following is an entry in ClinVar:

ClinVar aggregate classification (germline): Uncertain significance (1 of 4 stars; one submission).

Conditions:
Dilated cardiomyopathy 1HH (CMD1HH). Identifiers: Orphanet 154, MedGen C3151293, MONDO:0013479, OMIM 613881.
Myofibrillar myopathy 6. Identifiers: Orphanet 199340, MedGen C2751831, MONDO:0013061, OMIM 612954.

Allele frequency attached by ClinVar (database versions not stated): gnomAD exomes below 0.00001; TOPMed 0.00001.
gnomAD v4.1: 1 of 1,614,184 alleles (0.000062%); highest among the groups gnomAD compares: African/African-American, 0.0013%; no homozygotes.

Submission:

Labcorp Genetics (formerly Invitae), Labcorp
Classification: Uncertain significance for Dilated cardiomyopathy 1HH; Myofibrillar myopathy 6. Last evaluated: 2023-03-29. Review status: criteria provided, single submitter. Criteria: Invitae Variant Classification Sherloc (09022015). Collection method: clinical testing. Allele origin: germline.
Comment: In summary, the available evidence is currently insufficient to determine the role of this variant in disease. Therefore, it has been classified as a Variant of Uncertain Significance. Advanced modeling of protein sequence and biophysical properties (such as structural, functional, and spatial information, amino acid conservation, physicochemical variation, residue mobility, and thermodynamic stability) performed at Invitae indicates that this missense variant is not expected to disrupt BAG3 protein function. This variant has not been reported in the literature in individuals affected with BAG3-related conditions. This variant is present in population databases (no rsID available, gnomAD 0.007%). This sequence change replaces alanine, which is neutral and non-polar, with serine, which is neutral and polar, at codon 517 of the BAG3 protein (p.Ala517Ser).

NM_004281.4(BAG3):c.1549G>T (p.Ala517Ser)

Gene: BAG3 (BAG cochaperone 3; plus strand). Cytogenetic location: 10q26.11.
Variant type: single nucleotide variant.
Coding change: c.1549G>T on transcript NM_004281.4 (MANE Select); coding-DNA position 1549, G replaced by T.
Protein change: p.Ala517Ser; replaces alanine 517 with serine.
Molecular consequence: missense variant.
Genome position (GRCh38, 1-based): chr10:119,677,103, G>T. VCF-style: chr10-119677103-G-T. GRCh37 (hg19) VCF-style: chr10-121436615-G-T.
Other names: short protein forms A517S.
Identifiers: ClinVar variation 2940203 (VCV002940203.3), dbSNP rs1012850083, ClinGen allele CA214225324.